The following is an entry in ClinVar:

ClinVar aggregate classification (germline): Pathogenic/Likely pathogenic. Review status: criteria provided, multiple submitters, no conflicts (2 of 4 stars). 2 submissions from 2 submitters: Pathogenic (1); Likely pathogenic (1). Last evaluated 2026-02-01.

Conditions:
Ornithine aminotransferase deficiency (GACR). Also called: HYPERORNITHINEMIA WITH GYRATE ATROPHY OF CHOROID AND RETINA; OAT DEFICIENCY; Ornithine ketoacid aminotransferase deficiency; Gyrate atrophy; Gyrate atrophy of choroid and retina; Girate atrophy of the retina. Identifiers: Orphanet 414, MedGen C0018425, MONDO:0009796, OMIM 258870.

Submissions (2):

CeGaT Center for Human Genetics Tuebingen
Classification: Pathogenic. Last evaluated: 2026-02-01. Review status: criteria provided, single submitter. Criteria: CeGaT Center For Human Genetics Tuebingen Variant Classification Criteria Version 2. Collection method: clinical testing. Allele origin: germline. Affected: yes. Observed: 1 variant allele.
Comment: OAT: PVS1, PM2, PM3:Supporting

Laboratory for Molecular Medicine, Mass General Brigham Personalized Medicine
Classification: Likely pathogenic for Ornithine aminotransferase deficiency. Last evaluated: 2022-08-30. Review status: criteria provided, single submitter. Criteria: ACMG Guidelines, 2015. Collection method: clinical testing. Allele origin: germline.
Comment: The p.Gly248X variant in OAT has not beed reported in individuals with disease and was absent from large population studies. This nonsense variant leads to a premature termination codon at position 248, which is predicted to lead to a truncated or absent protein. Loss of function of the OAT gene is an established disease mechanism in autosomal recessive ornithine aminotransferase deficiency. In summary, although additional studies are required to fully establish its clinical significance, this variant meets criteria to be classified as likely pathogenic for autosomal recessive ornithine aminotransferase deficiency. ACMG/AMP Criteria applied: PM2_supporting, PVS1.

NM_000274.4(OAT):c.742G>T (p.Gly248Ter)

Genes: OAT (ornithine aminotransferase; minus strand), LOC121815974 (Sharpr-MPRA regulatory region 15365; plus strand). Cytogenetic location: 10q26.13.
Variant type: single nucleotide variant.
Coding change: c.742G>T on transcript NM_000274.4 (MANE Select); coding-DNA position 742, G replaced by T.
Protein change: p.Gly248Ter; replaces glycine 248 with a stop codon.
Molecular consequence: nonsense.
Genome position (GRCh38, 1-based): chr10:124,403,827, C>A on the plus strand (G>T on the coding strand, the complement: OAT is on the minus strand). VCF-style: chr10-124403827-C-A. GRCh37 (hg19) VCF-style: chr10-126092396-C-A.
Other names: c.328G>T, p.Gly110Ter (NM_001171814.2); c.742G>T, p.Gly248Ter (NM_001322965.2, NM_001322966.2, NM_001322967.2 and 3 more transcripts); c.421G>T, p.Gly141Ter (NM_001322971.2); c.142G>T, p.Gly48Ter (NM_001322974.2); short protein forms G110*, G141*, G248*, G48*.
Identifiers: ClinVar variation 3075894 (VCV003075894.5), dbSNP rs2494465030, ClinGen allele CA378635749.